The following is an entry in ClinVar:

ClinVar aggregate classification (germline): Uncertain significance (1 of 4 stars; one submission).

Conditions:
Inborn genetic diseases. Identifiers: MedGen C0950123, MeSH D030342.

Submission:

Ambry Genetics
Classification: Uncertain significance for Inborn genetic diseases. Last evaluated: 2024-04-07. Review status: criteria provided, single submitter. Criteria: Ambry Variant Classification Scheme 2023. Collection method: clinical testing. Allele origin: germline.
Comment: The p.A141G variant (also known as c.422C>G), located in coding exon 4 of the RAD51 gene, results from a C to G substitution at nucleotide position 422. The alanine at codon 141 is replaced by glycine, an amino acid with similar properties. This amino acid position is conserved. In addition, the in silico prediction for this alteration is inconclusive. Based on the available evidence, the clinical significance of this variant remains unclear.

NM_002875.5(RAD51):c.422C>G (p.Ala141Gly)

Gene: RAD51 (RAD51 recombinase; plus strand). Cytogenetic location: 15q15.1.
Variant type: single nucleotide variant.
Coding change: c.422C>G on transcript NM_002875.5 (MANE Select); coding-DNA position 422, C replaced by G.
Protein change: p.Ala141Gly; replaces alanine 141 with glycine.
Molecular consequence: missense variant.
Genome position (GRCh38, 1-based): chr15:40,709,103, C>G. VCF-style: chr15-40709103-C-G. GRCh37 (hg19) VCF-style: chr15-41001301-C-G.
Other names: c.425C>G, p.Ala142Gly (NM_001164269.2, NM_133487.4); c.422C>G, p.Ala141Gly (NM_001164270.2); short protein forms A141G, A142G.
Identifiers: ClinVar variation 3312357 (VCV003312357.1).
Genomic context (GRCh38, chr15:40,709,103, plus strand): 5'-CTATCACAGAAATGTTTGGAGAATTCCGAACTGGGAAGACCCAGATCTGTCATACGCTAG[C>G]TGTCACCTGCCAGGTGAGCTGTTGGGGCTATAGCTAATCAAATAAGCAAGCATTACTTCA-3'
Protein context (NP_002866.2, residues 131-151): TGKTQICHTL[Ala141Gly]VTCQLPIDRG